The following is an entry in ClinVar:

ClinVar aggregate classification (germline): Pathogenic. Review status: reviewed by expert panel (3 of 4 stars). 2 submissions from 2 submitters: Pathogenic (1). 1 of the submissions does not count toward it. Last evaluated 2016-10-18.

Conditions:
Breast-ovarian cancer, familial, susceptibility to, 2 (BROVCA2). Also called: BRCA2 Hereditary Breast and Ovarian Cancer. Identifiers: Orphanet 145, MedGen C2675520, MONDO:0012933, OMIM 612555. Disease mechanism: loss of function.

Submissions (2):

Evidence-based Network for the Interpretation of Germline Mutant Alleles (ENIGMA)
Classification: Pathogenic for Breast-ovarian cancer, familial, susceptibility to, 2. Last evaluated: 2016-10-18. Review status: reviewed by expert panel. Criteria: ENIGMA BRCA1/2 Classification Criteria (2015). Collection method: curation. Allele origin: germline.
Comment: Variant allele predicted to encode a truncated non-functional protein.

Consortium of Investigators of Modifiers of BRCA1/2 (CIMBA), c/o University of Cambridge
Classification: Pathogenic for Breast-ovarian cancer, familial, susceptibility to, 2. Last evaluated: 2015-10-02. Review status: criteria provided, single submitter. Criteria: CIMBA Mutation Classification guidelines May 2016. Collection method: clinical testing. Allele origin: germline. Not counted in ClinVar's aggregate classification.

NM_000059.4(BRCA2):c.9052del (p.Ser3018fs)

Gene: BRCA2 (BRCA2 DNA repair associated; plus strand). Cytogenetic location: 13q13.1.
Variant type: Deletion.
Coding change: c.9052del on transcript NM_000059.4 (MANE Select); coding-DNA position 9052, one base deleted (A; older notation c.9052delA).
Protein change: p.Ser3018fs; shifts the reading frame from serine 3018.
Molecular consequence: frameshift variant.
Genome position (GRCh38, 1-based): chr13:32,379,848, A deleted; the last of 4 consecutive A bases (chr13:32,379,845-32,379,848); deleting any one gives the same sequence. VCF-style (leftmost placement, unchanged base first): chr13-32379844-TA-T. GRCh37 (hg19) VCF-style: chr13-32953981-TA-T.
Other names: 9280delA; short protein forms S3018fs.
Identifiers: ClinVar variation 267134 (VCV000267134.5), dbSNP rs886040816, ClinGen allele CA10589542.